The following is an entry in ClinVar:

NM_000182.5(HADHA):c.555del (p.Gln186fs)

Gene: HADHA (hydroxyacyl-CoA dehydrogenase trifunctional multienzyme complex subunit alpha; minus strand). Cytogenetic location: 2p23.3.
Variant type: Deletion.
Coding change: c.555del on transcript NM_000182.5 (MANE Select); coding-DNA position 555, one base deleted (A; older notation c.555delA).
Protein change: p.Gln186fs; shifts the reading frame from glutamine 186.
Molecular consequence: frameshift variant.
Genome position (GRCh38, 1-based): chr2:26,232,178, T deleted on the plus strand (A on the coding strand, the reverse complement: HADHA is on the minus strand). VCF-style (leftmost placement, unchanged base first): chr2-26232177-GT-G. GRCh37 (hg19) VCF-style: chr2-26455045-GT-G.
Other names: short protein forms Q186fs.
Identifiers: ClinVar variation 5012991 (VCV005012991.1).

ClinVar aggregate classification (germline): Pathogenic (1 of 4 stars; one submission).

Conditions:
Long chain 3-hydroxyacyl-CoA dehydrogenase deficiency. Also called: Deficiency of long-chain 3-hydroxyacyl-coenzyme A dehydrogenase; LCHAD Deficiency. Identifiers: Orphanet 5, MedGen C3711645, MONDO:0012173, OMIM 609016.

Submission:

Myriad Genetics, Inc.
Classification: Pathogenic for Long chain 3-hydroxyacyl-CoA dehydrogenase deficiency. Last evaluated: 2024-05-02. Review status: criteria provided, single submitter. Criteria: Myriad Autosomal Dominant, Autosomal Recessive and X-Linked Classification Criteria (2023). Collection method: clinical testing. Allele origin: unknown.
Comment: NM_000182.4(HADHA):c.555delA(Q186Kfs*15) is expected to be pathogenic in the context of HADHA-related disorders. This variant is predicted to lead to an abnormal or absent protein product due to the creation of a premature termination codon in HADHA, a gene where loss-of-function variants are known to be pathogenic. Please note: this variant was assessed in the context of healthy population screening.